The following is an entry in ClinVar:

NM_004035.7(ACOX1):c.233G>A (p.Gly78Asp)

Gene: ACOX1 (acyl-CoA oxidase 1; minus strand). Cytogenetic location: 17q25.1.
Variant type: single nucleotide variant.
Coding change: c.233G>A on transcript NM_004035.7 (MANE Select); coding-DNA position 233, G replaced by A.
Protein change: p.Gly78Asp; replaces glycine 78 with aspartic acid.
Molecular consequence: missense variant.
Genome position (GRCh38, 1-based): chr17:75,978,570, C>T on the plus strand (G>A on the coding strand, the complement: ACOX1 is on the minus strand). VCF-style: chr17-75978570-C-T. GRCh37 (hg19) VCF-style: chr17-73974651-C-T.
Other names: p.Gly78Asp; c.119G>A, p.Gly40Asp (NM_001185039.2); c.233G>A, p.Gly78Asp (NM_007292.6); short protein forms G40D, G78D.
Identifiers: ClinVar variation 1388415 (VCV001388415.7), dbSNP rs2144330484, ClinGen allele CA401082444.
Genomic context (GRCh38, chr17:75,978,570, plus strand): 5'-TGCTCTGTTCTAAGGCATACCTACTTTTTAAACCACATAATTTCATCAGGGTCAGCGATG[C>T]CAAACTCCCTCATCTTCTTCACCATGATGGCACTTTTCCTGACAGCCACCTCATAACGCT-3'
Protein context (NP_004026.2, residues 68-88): AIMVKKMREF[Gly78Asp]IADPDEIMWF

ClinVar aggregate classification (germline): Uncertain significance. Review status: criteria provided, multiple submitters, no conflicts (2 of 4 stars). 2 submissions from 2 submitters: Uncertain significance (2). Last evaluated 2023-11-27.

Conditions:
Acyl-CoA oxidase deficiency. Also called: Pseudoneonatal adrenoleukodystrophy; Peroxisomal acyl-CoA oxidase deficiency; STRAIGHT-CHAIN ACYL-CoA OXIDASE DEFICIENCY. Identifiers: Orphanet 2971, MedGen C1849678, MONDO:0009919, OMIM 264470. Disease mechanism: loss of function.

Allele frequency attached by ClinVar (database versions not stated): gnomAD exomes below 0.00001.
gnomAD v4.1: 2 of 1,614,192 alleles (0.00012%); highest among the groups gnomAD compares: Non-Finnish European, 0.00017%; no homozygotes.

Submissions (2):

Labcorp Genetics (formerly Invitae), Labcorp
Classification: Uncertain significance for Acyl-CoA oxidase deficiency. Last evaluated: 2023-11-27. Review status: criteria provided, single submitter. Criteria: Invitae Variant Classification Sherloc (09022015). Collection method: clinical testing. Allele origin: germline.
Comment: This sequence change replaces glycine, which is neutral and non-polar, with aspartic acid, which is acidic and polar, at codon 78 of the ACOX1 protein (p.Gly78Asp). This variant is not present in population databases (gnomAD no frequency). This variant has not been reported in the literature in individuals affected with ACOX1-related conditions. ClinVar contains an entry for this variant (Variation ID: 1388415). Advanced modeling of protein sequence and biophysical properties (such as structural, functional, and spatial information, amino acid conservation, physicochemical variation, residue mobility, and thermodynamic stability) performed at Invitae indicates that this missense variant is not expected to disrupt ACOX1 protein function with a negative predictive value of 80%. In summary, the available evidence is currently insufficient to determine the role of this variant in disease. Therefore, it has been classified as a Variant of Uncertain Significance.

Mayo Clinic Laboratories, Mayo Clinic
Classification: Uncertain significance. Last evaluated: 2022-09-13. Review status: criteria provided, single submitter. Criteria: ACMG Guidelines, 2015. Collection method: clinical testing. Allele origin: germline. Observed: 1 variant allele.
Comment: PM2